The following is an entry in ClinVar:

NM_000384.3(APOB):c.3285C>T (p.Asp1095=)

Gene: APOB (apolipoprotein B; minus strand). Cytogenetic location: 2p24.1.
Variant type: single nucleotide variant.
Coding change: c.3285C>T on transcript NM_000384.3 (MANE Select); coding-DNA position 3285, C replaced by T.
Protein change: p.Asp1095=; no amino-acid change (aspartic acid 1095 retained).
Molecular consequence: synonymous variant.
Genome position (GRCh38, 1-based): chr2:21,016,486, G>A on the plus strand (C>T on the coding strand, the complement: APOB is on the minus strand). VCF-style: chr2-21016486-G-A. GRCh37 (hg19) VCF-style: chr2-21239358-G-A.
Identifiers: ClinVar variation 2498804 (VCV002498804.28), dbSNP rs2465390975, ClinGen allele CA425347337.

ClinVar aggregate classification (germline): Likely benign (1 of 4 stars; one submission).

Submission:

CeGaT Center for Human Genetics Tuebingen
Classification: Likely benign. Last evaluated: 2023-01-01. Review status: criteria provided, single submitter. Criteria: CeGaT Center For Human Genetics Tuebingen Variant Classification Criteria Version 2. Collection method: clinical testing. Allele origin: germline. Affected: yes. Observed: 1 variant allele.
Comment: APOB: PM2:Supporting, BP4, BP7